The following is an entry in ClinVar:

ClinVar aggregate classification (germline): Likely benign. Review status: criteria provided, multiple submitters, no conflicts (2 of 4 stars). 2 submissions from 2 submitters: Likely benign (2). Last evaluated 2023-09-23.

Conditions:
Epidermolysis bullosa simplex with nail dystrophy (EBS5D). Identifiers: MedGen C4225309, MONDO:0014661, OMIM 616487.
Epidermolysis bullosa simplex 5B, with muscular dystrophy (EBS5B). Also called: EPIDERMOLYSIS BULLOSA SIMPLEX AND LIMB-GIRDLE MUSCULAR DYSTROPHY; Epidermolysis bullosa simplex with muscular dystrophy. Identifiers: Orphanet 257, MedGen C2931072, MONDO:0009181, OMIM 226670.
Epidermolysis bullosa simplex, Ogna type (EBS5A). Also called: Pidermolysis bullosa simplex 5A, Ogna type; EPIDERMOLYSIS BULLOSA SIMPLEX 5A, OGNA TYPE. Identifiers: Orphanet 79401, MedGen C0432317, MONDO:0007555, OMIM 131950.
Autosomal recessive limb-girdle muscular dystrophy type 2Q (LGMDR17). Also called: MUSCULAR DYSTROPHY, LIMB-GIRDLE, AUTOSOMAL RECESSIVE 17. Identifiers: Orphanet 254361, MedGen C3150989, MONDO:0013390, OMIM 613723.
Epidermolysis bullosa simplex 5C, with pyloric atresia (EBS5C). Also called: PLEC-Related Epidermolysis Bullosa with Pyloric Atresia; Epidermolysis bullosa simplex with pyloric atresia; PLEC1-Related Epidermolysis Bullosa with Pyloric Atresia. Identifiers: Orphanet 158684, MedGen C2677349, MONDO:0012807, OMIM 612138.

Allele frequency attached by ClinVar (database versions not stated): gnomAD 0.00001; TOPMed 0.00001.
gnomAD v4.1: 4 of 1,603,466 alleles (0.00025%); highest among the groups gnomAD compares: East Asian, 0.0067%; no homozygotes.

Submissions (2):

Labcorp Genetics (formerly Invitae), Labcorp
Classification: Likely benign for Autosomal recessive limb-girdle muscular dystrophy type 2Q; Epidermolysis bullosa simplex, Ogna type; Epidermolysis bullosa simplex with nail dystrophy; Epidermolysis bullosa simplex 5C, with pyloric atresia; Epidermolysis bullosa simplex 5B, with muscular dystrophy. Last evaluated: 2023-09-23. Review status: criteria provided, single submitter. Criteria: Invitae Variant Classification Sherloc (09022015). Collection method: clinical testing. Allele origin: germline.

GeneDx
Classification: Likely benign. Last evaluated: 2016-12-27. Review status: criteria provided, single submitter. Criteria: GeneDx Variant Classification (06012015). Collection method: clinical testing. Allele origin: germline. Affected: yes.
Comment: This variant is considered likely benign or benign based on one or more of the following criteria: it is a conservative change, it occurs at a poorly conserved position in the protein, it is predicted to be benign by multiple in silico algorithms, and/or has population frequency not consistent with disease.

NM_201384.3(PLEC):c.7455G>T (p.Leu2485=)

Gene: PLEC (plectin; minus strand). Cytogenetic location: 8q24.3.
Variant type: single nucleotide variant.
Coding change: c.7455G>T on transcript NM_201384.3 (MANE Select); coding-DNA position 7455, G replaced by T.
Protein change: p.Leu2485=; no amino-acid change (leucine 2485 retained).
Molecular consequence: synonymous variant.
Genome position (GRCh38, 1-based): chr8:143,922,366, C>A on the plus strand (G>T on the coding strand, the complement: PLEC is on the minus strand). VCF-style: chr8-143922366-C-A. GRCh37 (hg19) VCF-style: chr8-144996534-C-A.
Other names: c.7536G>T, p.Leu2512= (NM_000445.5); c.7413G>T, p.Leu2471= (NM_201378.4); c.7389G>T, p.Leu2463= (NM_201379.3); c.7866G>T, p.Leu2622= (NM_201380.4); c.7359G>T, p.Leu2453= (NM_201381.3); c.7455G>T, p.Leu2485= (NM_201382.4); c.7467G>T, p.Leu2489= (NM_201383.3).
Identifiers: ClinVar variation 392055 (VCV000392055.8), dbSNP rs781873617, ClinGen allele CA16605197.
Genomic context (GRCh38, chr8:143,922,366, plus strand): 5'-CCGCTGTAGCAGGCTGTCCTTTTCAGAGAGGAAGCTTTGCTGCAGGGCCTGCGTCTCCTG[C>A]AGCAGCTGCTCCTGCTGCACCGTCTGCATCTGCAGAAGAAGAGGGTGTGATCAGGGACCG-3'
Protein context (NP_958786.1, residues 2475-2495): EMQTVQQEQL[Leu2485=]QETQALQQSF